The following is an entry in ClinVar:

ClinVar aggregate classification (germline): Benign/Likely benign. Review status: criteria provided, multiple submitters, no conflicts (2 of 4 stars). 14 submissions from 14 submitters: Benign (4); Likely benign (5). 5 of the submissions do not count toward it. Last evaluated 2026-09-08.

Conditions:
Cardiovascular phenotype. Identifiers: MedGen CN230736.
Fabry disease. Also called: CERAMIDE TRIHEXOSIDASE DEFICIENCY; ALPHA-GALACTOSIDASE A DEFICIENCY; ANDERSON-FABRY DISEASE; GLA DEFICIENCY; HEREDITARY DYSTOPIC LIPIDOSIS; Fabry's disease. Identifiers: Orphanet 324, MedGen C0002986, MONDO:0010526, OMIM 301500, HP:0001071. Disease mechanism: Fabry disease is due to inactivating mutations in the X-linked GLA gene resulting in deficiency of the enzyme Alpha Galactosidase-A., loss of function.

Allele frequency attached by ClinVar (database versions not stated): gnomAD 0.00001 and 0.00014; TOPMed 0.00003; gnomAD exomes 0.00024 and 0.00056; 1000 Genomes Project 0.00053; ExAC 0.00060; 1000 Genomes Project 30x 0.00062.
gnomAD v4.1: 279 of 1,210,267 alleles (0.023%); highest among the groups gnomAD compares: South Asian, 0.46%; 1 homozygote.

Submissions (14):

Genomenon, Inc
Classification: Benign for Fabry disease. Last evaluated: 2026-09-08. Review status: criteria provided, single submitter. Criteria: Genomenon Sequence Variant Interpretation Standards - Updated. Collection method: curation. Allele origin: germline. Affected: no.
Comment: GLA p.Thr385Ala (c.1153A>G) is a missense variant that changes the amino acid at codon 385 from Threonine to Alanine. This variant is present at high allele frequency in population databases. We classify GLA p.Thr385Ala (c.1153A>G) as a benign variant.

Labcorp Genetics (formerly Invitae), Labcorp
Classification: Likely benign for Fabry disease. Last evaluated: 2026-02-02. Review status: criteria provided, single submitter. Criteria: Invitae Variant Classification Sherloc (09022015). Collection method: clinical testing. Allele origin: germline.

Blueprint Genetics
Classification: Likely benign. Last evaluated: 2024-07-09. Review status: criteria provided, single submitter. Criteria: ACMG Guidelines, 2015. Collection method: clinical testing. Allele origin: germline.

Genome-Nilou Lab
Classification: Benign for Fabry disease. Last evaluated: 2021-07-15. Review status: criteria provided, single submitter. Criteria: ACMG Guidelines, 2015. Collection method: clinical testing. Allele origin: germline. Affected: no.

Ambry Genetics
Classification: Benign for Cardiovascular phenotype. Last evaluated: 2020-01-07. Review status: criteria provided, single submitter. Criteria: Ambry Variant Classification Scheme 2023. Collection method: clinical testing. Allele origin: germline.

Mendelics
Classification: Likely benign for Fabry disease. Last evaluated: 2019-05-28. Review status: criteria provided, single submitter. Criteria: Mendelics Assertion Criteria 2017. Collection method: clinical testing. Allele origin: unknown.

Color Diagnostics, LLC DBA Color Health
Classification: Benign for Fabry disease. Last evaluated: 2018-10-26. Review status: criteria provided, single submitter. Criteria: ACMG Guidelines, 2015. Collection method: clinical testing. Allele origin: germline.

GeneDx
Classification: Likely benign. Last evaluated: 2016-11-30. Review status: criteria provided, single submitter. Criteria: GeneDx Variant Classification (06012015). Collection method: clinical testing. Allele origin: germline. Affected: yes.
Comment: This variant is considered likely benign or benign based on one or more of the following criteria: it is a conservative change, it occurs at a poorly conserved position in the protein, it is predicted to be benign by multiple in silico algorithms, and/or has population frequency not consistent with disease.

Laboratory for Molecular Medicine, Mass General Brigham Personalized Medicine
Classification: Likely benign. Last evaluated: 2015-03-18. Review status: criteria provided, single submitter. Criteria: LMM Criteria. Collection method: clinical testing. Allele origin: germline. Observed: 4 variant alleles.
Comment: p.Thr385Ala in exon 7 of GLA: This variant is not expected to be disease causing on its own because it has been identified in 0.5% (53/10122; including 36 males ) of South Asian chromosomes by the Exome Aggregation Consortium (ExAC; dbSNP rs397515869).

Natera, Inc.
Classification: Likely benign for Fabry disease. Last evaluated: 2020-09-16. Review status: no assertion criteria provided. Collection method: clinical testing. Allele origin: germline. Not counted in ClinVar's aggregate classification.

Clinical Genetics DNA and cytogenetics Diagnostics Lab, Erasmus MC, Erasmus Medical Center
Classification: Likely benign. Review status: no assertion criteria provided. Collection method: clinical testing. Allele origin: germline. Affected: yes. Study: VKGL Data-share Consensus. Not counted in ClinVar's aggregate classification.

Clinical Genetics, Academic Medical Center
Classification: Likely benign. Review status: no assertion criteria provided. Collection method: clinical testing. Allele origin: germline. Affected: yes. Study: VKGL Data-share Consensus. Not counted in ClinVar's aggregate classification.

Diagnostic Laboratory, Department of Genetics, University Medical Center Groningen
Classification: Likely benign for Fabry disease. Review status: no assertion criteria provided. Collection method: clinical testing. Allele origin: germline. Affected: yes. Study: VKGL Data-share Consensus. Not counted in ClinVar's aggregate classification.

Laboratory of Diagnostic Genome Analysis, Leiden University Medical Center (LUMC)
Classification: Likely benign. Review status: no assertion criteria provided. Collection method: clinical testing. Allele origin: germline. Affected: yes. Study: VKGL Data-share Consensus. Not counted in ClinVar's aggregate classification.

Literature cited by the submitters: PubMed 12175777 (cited by Ambry Genetics and Laboratory for Molecular Medicine, Mass General Brigham Personalized Medicine); PubMed 23935525 (cited by Ambry Genetics and Laboratory for Molecular Medicine, Mass General Brigham Personalized Medicine).

NM_000169.3(GLA):c.1153A>G (p.Thr385Ala)

Genes: GLA (galactosidase alpha; minus strand), RPL36A-HNRNPH2 (RPL36A-HNRNPH2 readthrough; plus strand). Cytogenetic location: Xq22.1.
Variant type: single nucleotide variant.
Coding change: c.1153A>G on transcript NM_000169.3 (MANE Select); coding-DNA position 1153, A replaced by G.
Protein change: p.Thr385Ala; replaces threonine 385 with alanine.
Molecular consequence: missense variant. On other transcripts: non-coding transcript variant (3), intron variant (2).
Genome position (GRCh38, 1-based): chrX:101,397,946, T>C on the plus strand (A>G on the coding strand, the complement: GLA is on the minus strand). VCF-style: chrX-101397946-T-C. GRCh37 (hg19) VCF-style: chrX-100652934-T-C.
Other names: c.1276A>G, p.Thr426Ala (NM_001406747.1); c.300+2489T>C (NM_001199973.2); c.177+6124T>C (NM_001199974.2); short protein forms T385A, T426A.
Identifiers: ClinVar variation 42452 (VCV000042452.29), dbSNP rs397515869, ClinGen allele CA021417.